The following is an entry in ClinVar:

NM_001101426.4(CRPPA):c.1092C>A (p.Cys364Ter)

Genes: CRPPA (CDP-L-ribitol pyrophosphorylase A; minus strand), CRPPA-AS1 (CRPPA antisense RNA 1; plus strand). Cytogenetic location: 7p21.2.
Variant type: single nucleotide variant.
Coding change: c.1092C>A on transcript NM_001101426.4 (MANE Select); coding-DNA position 1092, C replaced by A.
Protein change: p.Cys364Ter; replaces cysteine 364 with a stop codon.
Molecular consequence: nonsense. On other transcripts: non-coding transcript variant (1).
Genome position (GRCh38, 1-based): chr7:16,258,417, G>T on the plus strand (C>A on the coding strand, the complement: CRPPA is on the minus strand). VCF-style: chr7-16258417-G-T. GRCh37 (hg19) VCF-style: chr7-16298042-G-T.
Other names: c.942C>A, p.Cys314Ter (NM_001101417.4); c.987C>A, p.Cys329Ter (NM_001368197.1); short protein forms C329*, C364*, C314*.
Identifiers: ClinVar variation 2122850 (VCV002122850.4), dbSNP rs1418861315, ClinGen allele CA367000528.

ClinVar aggregate classification (germline): Pathogenic (1 of 4 stars; one submission).

Conditions:
Muscular dystrophy-dystroglycanopathy (congenital with brain and eye anomalies), type A, 7. Also called: WALKER-WARBURG SYNDROME OR MUSCLE-EYE-BRAIN DISEASE, ISPD-RELATED; Congenital muscular dystrophy-dystroglycanopathy with brain and eye anomalies, type A7. Identifiers: Orphanet 899, MedGen C3553330, MONDO:0013835, OMIM 614643.
Autosomal recessive limb-girdle muscular dystrophy type 2U. Also called: Muscular dystrophy-dystroglycanopathy (limb-girdle), type c, 7; MUSCULAR DYSTROPHY, LIMB-GIRDLE, TYPE 2U. Identifiers: Orphanet 352479, MedGen C5190987, MONDO:0014474, OMIM 616052.

Submission:

Labcorp Genetics (formerly Invitae), Labcorp
Classification: Pathogenic for Muscular dystrophy-dystroglycanopathy (congenital with brain and eye anomalies), type A, 7; Autosomal recessive limb-girdle muscular dystrophy type 2U. Last evaluated: 2022-08-03. Review status: criteria provided, single submitter. Criteria: Invitae Variant Classification Sherloc (09022015). Collection method: clinical testing. Allele origin: germline.
Comment: For these reasons, this variant has been classified as Pathogenic. This variant has not been reported in the literature in individuals affected with ISPD-related conditions. This variant is not present in population databases (gnomAD no frequency). This sequence change creates a premature translational stop signal (p.Cys364*) in the ISPD gene. It is expected to result in an absent or disrupted protein product. Loss-of-function variants in ISPD are known to be pathogenic (PMID: 23288328).

Literature cited by the submitters: PubMed 23288328.